The following is an entry in ClinVar:

ClinVar aggregate classification (germline): Uncertain significance (1 of 4 stars; one submission).

Conditions:
Hereditary cancer-predisposing syndrome. Also called: Neoplastic Syndromes, Hereditary; Tumor predisposition; Hereditary Cancer Syndrome; Hereditary neoplastic syndrome. Identifiers: Orphanet 140162, MedGen C0027672, MeSH D009386, MONDO:0015356.

Submission:

Ambry Genetics
Classification: Uncertain significance for Hereditary cancer-predisposing syndrome. Last evaluated: 2019-02-21. Review status: criteria provided, single submitter. Criteria: Ambry Variant Classification Scheme 2023. Collection method: clinical testing. Allele origin: germline.
Comment: The p.N801K variant (also known as c.2403T>G), located in coding exon 16 of the BRIP1 gene, results from a T to G substitution at nucleotide position 2403. The asparagine at codon 801 is replaced by lysine, an amino acid with similar properties. This amino acid position is highly conserved in available vertebrate species. In addition, the in silico prediction for this alteration is inconclusive. Since supporting evidence is limited at this time, the clinical significance of this alteration remains unclear.

NM_032043.3(BRIP1):c.2403T>G (p.Asn801Lys)

Gene: BRIP1 (BRCA1 interacting DNA helicase 1; minus strand). Cytogenetic location: 17q23.2.
Variant type: single nucleotide variant.
Coding change: c.2403T>G on transcript NM_032043.3 (MANE Select); coding-DNA position 2403, T replaced by G.
Protein change: p.Asn801Lys; replaces asparagine 801 with lysine.
Molecular consequence: missense variant.
Genome position (GRCh38, 1-based): chr17:61,716,040, A>C on the plus strand (T>G on the coding strand, the complement: BRIP1 is on the minus strand). VCF-style: chr17-61716040-A-C. GRCh37 (hg19) VCF-style: chr17-59793401-A-C.
Other names: short protein forms N801K.
Identifiers: ClinVar variation 483192 (VCV000483192.5), dbSNP rs1555580947, ClinGen allele CA400479767.
Genomic context (GRCh38, chr17:61,716,040, plus strand): 5'-TGCTTGAATTTCATACCACTGACGGCCAGGTAGAAGACCTCTCAATTTTGAATGGTGGTC[A>C]TTGTATTGTCGTTTTAGTTCAACCTAATAATTTTAAAATATATTTAAAAAATTAGTAGAT-3'
Protein context (NP_114432.2, residues 791-811): DLQVELKRQY[Asn801Lys]DHHSKLRGLL